The following is an entry in ClinVar:

ClinVar aggregate classification (germline): Conflicting classifications of pathogenicity. Review status: criteria provided, conflicting classifications (1 of 4 stars). 5 submissions from 5 submitters: Uncertain significance (3); Likely benign (2). Last evaluated 2026-09-01.

Conditions:
Asphyxiating thoracic dystrophy 3. Also called: SHORT-RIB THORACIC DYSPLASIA 3 WITH OR WITHOUT POLYDACTYLY; POLYDACTYLY WITH NEONATAL CHONDRODYSTROPHY, TYPE I; SHORT-RIB THORACIC DYSPLASIA 3/6 WITH POLYDACTYLY, DIGENIC; Short rib polydactyly syndrome 2B; Saldino-Noonan Syndrome. Identifiers: Orphanet 474, Orphanet 93269, Orphanet 93270, Orphanet 93271, MedGen C0036069, MONDO:0013127, OMIM 613091.
Jeune thoracic dystrophy. Also called: Jeune syndrome; Infantile thoracic dystrophy; Thoracic pelvic phalangeal dystrophy; Jeune's syndrome; Chondroectodermal dysplasia-like syndrome; Short-rib thoracic dysplasia. Identifiers: Orphanet 474, MedGen C0265275, MONDO:0018770.

Allele frequency attached by ClinVar (database versions not stated): ExAC 0.00029; gnomAD 0.00029; 1000 Genomes Project 30x 0.00031; gnomAD exomes 0.00037 and 0.00056; TOPMed 0.00039; 1000 Genomes Project 0.00040.
gnomAD v4.1: 628 of 1,209,506 alleles (0.052%); highest among the groups gnomAD compares: Non-Finnish European, 0.065%; no homozygotes.

Submissions (5):

GeneDx
Classification: Uncertain significance. Last evaluated: 2026-09-01. Review status: criteria provided, single submitter. Criteria: GeneDx Variant Classification Process June 2021. Collection method: clinical testing. Allele origin: germline.
Comment: In silico analysis suggests that this variant does not alter splicing; Has not been previously published as pathogenic or benign to our knowledge

Labcorp Genetics (formerly Invitae), Labcorp
Classification: Likely benign for Jeune thoracic dystrophy. Last evaluated: 2026-01-25. Review status: criteria provided, single submitter. Criteria: Invitae Variant Classification Sherloc (09022015). Collection method: clinical testing. Allele origin: germline.

Blueprint Genetics
Classification: Likely benign. Last evaluated: 2024-09-17. Review status: criteria provided, single submitter. Criteria: ACMG Guidelines, 2015. Collection method: clinical testing. Allele origin: germline.

ARUP Laboratories, Molecular Genetics and Genomics, ARUP Laboratories
Classification: Uncertain significance for Asphyxiating thoracic dystrophy 3. Last evaluated: 2020-02-14. Review status: criteria provided, single submitter. Criteria: ARUP Molecular Germline Variant Investigation Process. Collection method: clinical testing. Allele origin: germline.
Comment: The DYNC2H1 c.5335-11T>G variant (rs181963253), to our knowledge, is not reported in the medical literature or gene specific databases. This variant is found in the general population with an overall allele frequency of 0.037% (33/90172 alleles) in the Genome Aggregation Database. This is an intronic variant in a moderately conserved nucleotide, and computational analyses (Alamut v.2.11) predict that this variant may impact splicing by weakening the nearby canonical acceptor splice site. However, without functional studies the effect on splicing is unknown. Due to limited information, the clinical significance of the c.5335-11T>G variant is uncertain at this time.

Illumina Laboratory Services, Illumina
Classification: Uncertain significance for Asphyxiating thoracic dystrophy 3. Last evaluated: 2018-01-13. Review status: criteria provided, single submitter. Criteria: ICSL Variant Classification Criteria 13 December 2019. Collection method: clinical testing. Allele origin: germline.

NM_001377.3(DYNC2H1):c.5335-11T>G

Gene: DYNC2H1 (dynein cytoplasmic 2 heavy chain 1; plus strand). Cytogenetic location: 11q22.3.
Variant type: single nucleotide variant.
Coding change: c.5335-11T>G on transcript NM_001377.3 (MANE Select); 11 bases into the intron before coding-DNA position 5335, T replaced by G.
Molecular consequence: intron variant.
Genome position (GRCh38, 1-based): chr11:103,173,071, T>G. VCF-style: chr11-103173071-T-G. GRCh37 (hg19) VCF-style: chr11-103043800-T-G.
Other names: c.5335-11T>G (NM_001080463.2).
Identifiers: ClinVar variation 879507 (VCV000879507.21), dbSNP rs181963253, ClinGen allele CA6253750.
Genomic context (GRCh38, chr11:103,173,071, plus strand): 5'-CGATGCCTATATGTTAAATATTTTAACTTAATATTTAATATTTAAATTAATATTTTTAAT[T>G]AATATTTCAGGTAGAAGTAAATTCTAATTCTGGAATTTTTATCACTATGAATCCTGCTGG-3'